The following is an entry in ClinVar:

ClinVar aggregate classification (germline): Uncertain significance (1 of 4 stars; one submission).

Allele frequency attached by ClinVar (database versions not stated): gnomAD 0.00002.
gnomAD v4.1: 35 of 1,613,784 alleles (0.0022%); highest among the groups gnomAD compares: Non-Finnish European, 0.0027%; no homozygotes.

Submission:

Labcorp Genetics (formerly Invitae), Labcorp
Classification: Uncertain significance. Last evaluated: 2024-10-04. Review status: criteria provided, single submitter. Criteria: Invitae Variant Classification Sherloc (09022015). Collection method: clinical testing. Allele origin: germline.
Comment: This sequence change replaces proline, which is neutral and non-polar, with arginine, which is basic and polar, at codon 439 of the DEAF1 protein (p.Pro439Arg). This variant is present in population databases (rs747111818, gnomAD 0.004%). This variant has not been reported in the literature in individuals affected with DEAF1-related conditions. ClinVar contains an entry for this variant (Variation ID: 2417759). Invitae Evidence Modeling of protein sequence and biophysical properties (such as structural, functional, and spatial information, amino acid conservation, physicochemical variation, residue mobility, and thermodynamic stability) has been performed for this missense variant. However, the output from this modeling did not meet the statistical confidence thresholds required to predict the impact of this variant on DEAF1 protein function. In summary, the available evidence is currently insufficient to determine the role of this variant in disease. Therefore, it has been classified as a Variant of Uncertain Significance.

NM_021008.4(DEAF1):c.1316C>G (p.Pro439Arg)

Genes: DEAF1 (DEAF1 transcription factor; minus strand), LOC126861109 (BRD4-independent group 4 enhancer GRCh37_chr11:673917-675116; plus strand). Cytogenetic location: 11p15.5.
Variant type: single nucleotide variant.
Coding change: c.1316C>G on transcript NM_021008.4 (MANE Select); coding-DNA position 1316, C replaced by G.
Protein change: p.Pro439Arg; replaces proline 439 with arginine.
Molecular consequence: missense variant.
Genome position (GRCh38, 1-based): chr11:674,723, G>C on the plus strand (C>G on the coding strand, the complement: DEAF1 is on the minus strand). VCF-style: chr11-674723-G-C. GRCh37 (hg19) VCF-style: chr11-674723-G-C.
Other names: c.1049C>G, p.Pro350Arg (NM_001293634.2); c.590C>G, p.Pro197Arg (NM_001367390.1); short protein forms P197R, P350R, P439R.
Identifiers: ClinVar variation 2417759 (VCV002417759.7), dbSNP rs747111818, ClinGen allele CA5786245.